The following is an entry in ClinVar:

NM_001134363.3(RBM20):c.3015T>G (p.Asp1005Glu)

Gene: RBM20 (RNA binding motif protein 20; plus strand). Cytogenetic location: 10q25.2.
Variant type: single nucleotide variant.
Coding change: c.3015T>G on transcript NM_001134363.3 (MANE Select); coding-DNA position 3015, T replaced by G.
Protein change: p.Asp1005Glu; replaces aspartic acid 1005 with glutamic acid.
Molecular consequence: missense variant.
Genome position (GRCh38, 1-based): chr10:110,821,634, T>G. VCF-style: chr10-110821634-T-G. GRCh37 (hg19) VCF-style: chr10-112581392-T-G.
Other names: short protein forms D1005E.
Identifiers: ClinVar variation 1798850 (VCV001798850.3), dbSNP rs1458420419, ClinGen allele CA378378954.

ClinVar aggregate classification (germline): Uncertain significance (1 of 4 stars; one submission).

Conditions:
Cardiovascular phenotype. Identifiers: MedGen CN230736.

gnomAD v4.1: 2 of 1,551,720 alleles (0.00013%); highest among the groups gnomAD compares: Non-Finnish European, 0.00017%; no homozygotes.

Submission:

Ambry Genetics
Classification: Uncertain significance for Cardiovascular phenotype. Last evaluated: 2024-11-10. Review status: criteria provided, single submitter. Criteria: Ambry Variant Classification Scheme 2023. Collection method: clinical testing. Allele origin: germline.
Comment: The p.D1005E variant (also known as c.3015T>G), located in coding exon 11 of the RBM20 gene, results from a T to G substitution at nucleotide position 3015. The aspartic acid at codon 1005 is replaced by glutamic acid, an amino acid with highly similar properties. This amino acid position is conserved. In addition, this alteration is predicted to be tolerated by in silico analysis. Since supporting evidence is limited at this time, the clinical significance of this alteration remains unclear.